The following is an entry in ClinVar:

ClinVar aggregate classification (germline): Uncertain significance. Review status: criteria provided, multiple submitters, no conflicts (2 of 4 stars). 4 submissions from 4 submitters: Uncertain significance (3). 1 of the submissions does not count toward it. Last evaluated 2025-04-28.

Conditions:
WFS1-related disorder. Identifiers: MedGen CN379391, MONDO:0700293.

Allele frequency attached by ClinVar (database versions not stated): gnomAD exomes below 0.00001 and 0.00002; gnomAD 0.00001 and 0.00002; TOPMed 0.00002.

Submissions (4):

Labcorp Genetics (formerly Invitae), Labcorp
Classification: Uncertain significance. Last evaluated: 2025-04-28. Review status: criteria provided, single submitter. Criteria: Invitae Variant Classification Sherloc (09022015). Collection method: clinical testing. Allele origin: germline.
Comment: This sequence change replaces isoleucine, which is neutral and non-polar, with threonine, which is neutral and polar, at codon 688 of the WFS1 protein (p.Ile688Thr). This variant is present in population databases (no rsID available, gnomAD 0.002%). This variant has not been reported in the literature in individuals affected with WFS1-related conditions. ClinVar contains an entry for this variant (Variation ID: 1440454). Invitae Evidence Modeling of protein sequence and biophysical properties (such as structural, functional, and spatial information, amino acid conservation, physicochemical variation, residue mobility, and thermodynamic stability) has been performed for this missense variant. However, the output from this modeling did not meet the statistical confidence thresholds required to predict the impact of this variant on WFS1 protein function. In summary, the available evidence is currently insufficient to determine the role of this variant in disease. Therefore, it has been classified as a Variant of Uncertain Significance.

GeneDx
Classification: Uncertain significance. Last evaluated: 2024-12-31. Review status: criteria provided, single submitter. Criteria: GeneDx Variant Classification Process June 2021. Collection method: clinical testing. Allele origin: germline. Affected: yes.
Comment: Not observed at significant frequency in large population cohorts (gnomAD); In silico analysis supports that this missense variant has a deleterious effect on protein structure/function; Has not been previously published as pathogenic or benign to our knowledge

Blueprint Genetics
Classification: Uncertain significance. Last evaluated: 2019-01-07. Review status: criteria provided, single submitter. Criteria: ACMG Guidelines, 2015. Collection method: clinical testing. Allele origin: germline.

PreventionGenetics, part of Exact Sciences
Classification: Uncertain significance for WFS1-related condition. Last evaluated: 2024-06-25. Review status: no assertion criteria provided. Collection method: clinical testing. Allele origin: germline. Not counted in ClinVar's aggregate classification.
Comment: The WFS1 c.2063T>C variant is predicted to result in the amino acid substitution p.Ile688Thr. To our knowledge, this variant has not been reported in the literature. This variant is reported in 0.0016% of alleles in individuals of European (Non-Finnish) descent in gnomAD. At this time, the clinical significance of this variant is uncertain due to the absence of conclusive functional and genetic evidence.

NM_006005.3(WFS1):c.2063T>C (p.Ile688Thr)

Gene: WFS1 (wolframin ER transmembrane glycoprotein; plus strand). Cytogenetic location: 4p16.1.
Variant type: single nucleotide variant.
Coding change: c.2063T>C on transcript NM_006005.3 (MANE Select); coding-DNA position 2063, T replaced by C.
Protein change: p.Ile688Thr; replaces isoleucine 688 with threonine.
Molecular consequence: missense variant.
Genome position (GRCh38, 1-based): chr4:6,301,858, T>C. VCF-style: chr4-6301858-T-C. GRCh37 (hg19) VCF-style: chr4-6303585-T-C.
Other names: c.2063T>C, p.Ile688Thr (NM_001145853.1); short protein forms I688T.
Identifiers: ClinVar variation 1440454 (VCV001440454.9), dbSNP rs1054571318, ClinGen allele CA91796801.